The following is an entry in ClinVar:

NM_001358530.2(MOCS1):c.238T>G (p.Cys80Gly)

Gene: MOCS1 (molybdenum cofactor synthesis 1; minus strand). Cytogenetic location: 6p21.2.
Variant type: single nucleotide variant.
Coding change: c.238T>G on transcript NM_001358530.2 (MANE Select); coding-DNA position 238, T replaced by G.
Protein change: p.Cys80Gly; replaces cysteine 80 with glycine.
Molecular consequence: missense variant. On other transcripts: 5 prime UTR variant (1), intron variant (2).
Genome position (GRCh38, 1-based): chr6:39,927,341, A>C on the plus strand (T>G on the coding strand, the complement: MOCS1 is on the minus strand). VCF-style: chr6-39927341-A-C. GRCh37 (hg19) VCF-style: chr6-39895080-A-C.
Other names: c.238T>G, p.Cys80Gly (NM_001075098.4, NM_001358529.2, NM_005943.6); c.-24T>G (NM_001358534.2); c.-11-1496T>G (NM_001358531.2, NM_001358533.2); short protein forms C80G.
Identifiers: ClinVar variation 2136384 (VCV002136384.1), dbSNP rs151141411, ClinGen allele CA3796403.

ClinVar aggregate classification (germline): Uncertain significance (1 of 4 stars; one submission).

Conditions:
Sulfite oxidase deficiency due to molybdenum cofactor deficiency type A. Also called: Molybdenum cofactor deficiency, complementation group A; Molybdenum Cofactor Deficiency A. Identifiers: Orphanet 308386, Orphanet 833, MedGen C1854988, MONDO:0009643, OMIM 252150.

Allele frequency attached by ClinVar (database versions not stated): TOPMed below 0.00001; ExAC 0.00001; gnomAD 0.00001; ESP Exome Variant Server 0.00008.

Submission:

Labcorp Genetics (formerly Invitae), Labcorp
Classification: Uncertain significance for Sulfite oxidase deficiency due to molybdenum cofactor deficiency type A. Last evaluated: 2022-07-14. Review status: criteria provided, single submitter. Criteria: Invitae Variant Classification Sherloc (09022015). Collection method: clinical testing. Allele origin: germline.
Comment: This sequence change replaces cysteine, which is neutral and slightly polar, with glycine, which is neutral and non-polar, at codon 80 of the MOCS1 protein (p.Cys80Gly). This variant is present in population databases (rs151141411, gnomAD 0.0009%). This missense change has been observed in individual(s) with molybdenum cofactor deficiency (PMID: 16021469). Algorithms developed to predict the effect of missense changes on protein structure and function are either unavailable or do not agree on the potential impact of this missense change (SIFT: "Not Available"; PolyPhen-2: "Probably Damaging"; Align-GVGD: "Not Available"). In summary, the available evidence is currently insufficient to determine the role of this variant in disease. Therefore, it has been classified as a Variant of Uncertain Significance.

Literature cited by the submitters: PubMed 16021469.